The following is an entry in ClinVar:

NM_002437.5(MPV17):c.179del (p.Gly60fs)

Gene: MPV17 (mitochondrial inner membrane protein MPV17; minus strand). Cytogenetic location: 2p23.3.
Variant type: Deletion.
Coding change: c.179del on transcript NM_002437.5 (MANE Select); coding-DNA position 179, one base deleted (G; older notation c.179delG).
Protein change: p.Gly60fs; shifts the reading frame from glycine 60.
Molecular consequence: frameshift variant.
Genome position (GRCh38, 1-based): chr2:27,313,001, C deleted on the plus strand (G on the coding strand, the reverse complement: MPV17 is on the minus strand); the first of 2 consecutive C bases (chr2:27,313,001-27,313,002); deleting either gives the same sequence. VCF-style (leftmost placement, unchanged base first): chr2-27313000-GC-G. GRCh37 (hg19) VCF-style: chr2-27535867-GC-G.
Other names: c.179delG (NM_002437.4); short protein forms G60fs.
Identifiers: ClinVar variation 939232 (VCV000939232.10), dbSNP rs1558599953, ClinGen allele CA531764222.

ClinVar aggregate classification (germline): Pathogenic/Likely pathogenic. Review status: criteria provided, multiple submitters, no conflicts (2 of 4 stars). 4 submissions from 4 submitters: Pathogenic (1); Likely pathogenic (3). Last evaluated 2025-12-16.

Conditions:
Charcot-Marie-Tooth disease, axonal, type 2EE. Also called: CHARCOT-MARIE-TOOTH NEUROPATHY, TYPE 2EE. Identifiers: MedGen C5193076, MONDO:0032728, OMIM 618400.
Mitochondrial DNA depletion syndrome 6 (hepatocerebral type). Also called: Navajo neurohepatopathy; NAVAJO NEUROPATHY; Mitochondrial DNA depletion syndrome type 6. Identifiers: Orphanet 255229, MedGen C1850406, MONDO:0009747, OMIM 256810.
Mitochondrial DNA depletion syndrome, hepatocerebral form. Identifiers: Orphanet 254871, MedGen C3711385, MONDO:0100512.

Submissions (4):

Natera, Inc.
Classification: Likely pathogenic for Mitochondrial DNA depletion syndrome, hepatocerebral form. Last evaluated: 2025-12-16. Review status: criteria provided, single submitter. Criteria: Natera Variant Classification Schema (03/2026). Collection method: clinical testing. Allele origin: germline.
Comment: The c.179delG variant in MPV17 is a frameshift variant predicted to shift the reading frame beginning at codon 60 and leads to a stop codon 7 codons downstream. This variant is expected to result in nonsense mediated decay, truncation, or a dysfunctional protein product. This variant is rare in the general population with a frequency below the threshold expected for the associated phenotype(s). Given the available evidence, this variant is classified as Likely Pathogenic.

Fulgent Genetics
Classification: Likely pathogenic for Mitochondrial DNA depletion syndrome 6 (hepatocerebral type); Charcot-Marie-Tooth disease, axonal, type 2EE. Last evaluated: 2024-05-21. Review status: criteria provided, single submitter. Criteria: ACMG Guidelines, 2015. Collection method: clinical testing. Allele origin: germline.

Baylor Genetics
Classification: Likely pathogenic for Charcot-Marie-Tooth disease, axonal, type 2EE. Last evaluated: 2024-02-08. Review status: criteria provided, single submitter. Criteria: ACMG Guidelines, 2015. Collection method: clinical testing. Allele origin: unknown.

Labcorp Genetics (formerly Invitae), Labcorp
Classification: Pathogenic. Last evaluated: 2023-08-31. Review status: criteria provided, single submitter. Criteria: Invitae Variant Classification Sherloc (09022015). Collection method: clinical testing. Allele origin: germline.
Comment: This variant is present in population databases (no rsID available, gnomAD 0.003%). This sequence change creates a premature translational stop signal (p.Gly60Alafs*7) in the MPV17 gene. It is expected to result in an absent or disrupted protein product. Loss-of-function variants in MPV17 are known to be pathogenic (PMID: 23714749). This variant has not been reported in the literature in individuals affected with MPV17-related conditions. For these reasons, this variant has been classified as Pathogenic. ClinVar contains an entry for this variant (Variation ID: 939232).

Literature cited by the submitters: PubMed 23714749 (cited by Labcorp Genetics (formerly Invitae), Labcorp).